The following is an entry in ClinVar:

ClinVar aggregate classification (germline): Pathogenic. Review status: criteria provided, multiple submitters, no conflicts (2 of 4 stars). 2 submissions from 2 submitters: Pathogenic (2). Last evaluated 2025-10-21.

Conditions:
Differences in sex development.

Submissions (2):

NHS Central & South Genomic Laboratory Hub
Classification: Pathogenic for Differences in sex development. Last evaluated: 2025-10-21. Review status: criteria provided, single submitter. Criteria: ACMG Guidelines, 2015. Collection method: clinical testing. Allele origin: germline. Affected: yes.

GeneDx
Classification: Pathogenic. Last evaluated: 2015-08-13. Review status: criteria provided, single submitter. Criteria: GeneDx Variant Classification (06012015). Collection method: clinical testing. Allele origin: germline. Affected: yes.
Comment: R856L has not been published as a pathogenic variant, nor has it been reported as a benign polymorphism to our knowledge.R856L represents a nonconservative amino acid substitution in the highly conservedligand binding domain of the protein. Other variants at the same codon (R856C, R856H, R856G) have been reported in association with androgen insensitivity syndrome. Functional studies of the R856C and R856H variants indicate impairment of androgen binding capacity (de Bellis et al., 1992; Batch et al., 1992; Ahmed et al., 2000; Bouvattier et al., 2002; Melo et al., 2003). The NHLBI ESP Exome Variant Server reports R856L was not observed in approximately 6,500 samples from individuals of European and African Americanbackgrounds, indicating it is not a common benign variant in these populations.

NM_000044.6(AR):c.2567G>T (p.Arg856Leu)

Gene: AR (androgen receptor; plus strand). Cytogenetic location: Xq12.
Variant type: single nucleotide variant.
Coding change: c.2567G>T on transcript NM_000044.6 (MANE Select); coding-DNA position 2567, G replaced by T.
Protein change: p.Arg856Leu; replaces arginine 856 with leucine.
Molecular consequence: missense variant.
Genome position (GRCh38, 1-based): chrX:67,722,944, G>T. VCF-style: chrX-67722944-G-T. GRCh37 (hg19) VCF-style: chrX-66942786-G-T.
Other names: c.971G>T, p.Arg324Leu (NM_001011645.3); short protein forms R856L, R324L.
Identifiers: ClinVar variation 279688 (VCV000279688.3), dbSNP rs9332971, ClinGen allele CA10603633.